The following is an entry in ClinVar:

NM_002109.6(HARS1):c.183C>T (p.Gly61=)

Gene: HARS1 (histidyl-tRNA synthetase 1; minus strand). Cytogenetic location: 5q31.3.
Variant type: single nucleotide variant.
Coding change: c.183C>T on transcript NM_002109.6 (MANE Select); coding-DNA position 183, C replaced by T.
Protein change: p.Gly61=; no amino-acid change (glycine 61 retained).
Molecular consequence: synonymous variant. On other transcripts: intron variant (3).
Genome position (GRCh38, 1-based): chr5:140,683,217, G>A on the plus strand (C>T on the coding strand, the complement: HARS1 is on the minus strand). VCF-style: chr5-140683217-G-A. GRCh37 (hg19) VCF-style: chr5-140062802-G-A.
Other names: c.183C>T, p.Gly61= (NM_001258041.3, NM_001289092.2); c.96C>T, p.Gly32= (NM_001289094.2); c.181-5202C>T (NM_001289093.2); c.181-3334C>T (NM_001258042.3, NM_001258040.3).
Identifiers: ClinVar variation 4984522 (VCV004984522.1).
Genomic context (GRCh38, chr5:140,683,217, plus strand): 5'-GATGATTACGTCAAACACCTTCTCGCGAACTGCCATCTGCCGGGGACTATAGTCTCTTGT[G>A]CCCTTGGAGTTGAAATCAGCCAGAGAACCAGAAATGAGGTTTGAAAACCAAGAACAATAT-3'
Protein context (NP_002100.2, residues 51-71): KQKFVLKTPK[Gly61=]TRDYSPRQMA

ClinVar aggregate classification (germline): Likely benign (1 of 4 stars; one submission).

Conditions:
HARS1-related disorder. Also called: HARS1-related condition.

Submission:

PreventionGenetics, part of Exact Sciences
Classification: Likely benign for HARS1-related condition. Last evaluated: 2025-11-07. Review status: criteria provided, single submitter. Criteria: ACMG Guidelines, 2015. Collection method: clinical testing. Allele origin: germline.
Comment: This variant is classified as likely benign based on ACMG/AMP sequence variant interpretation guidelines (Richards et al. 2015 PMID: 25741868, with internal and published modifications).